The following is an entry in ClinVar:

ClinVar aggregate classification (germline): Uncertain significance (1 of 4 stars; one submission).

Conditions:
Immunodeficiency. Identifiers: MedGen C0021051, MONDO:0021094, HP:0002721.

Submission:

Labcorp Genetics (formerly Invitae), Labcorp
Classification: Uncertain significance for Immunodeficiency. Last evaluated: 2023-12-04. Review status: criteria provided, single submitter. Criteria: Invitae Variant Classification Sherloc (09022015). Collection method: clinical testing. Allele origin: germline.
Comment: This sequence change replaces glycine, which is neutral and non-polar, with glutamic acid, which is acidic and polar, at codon 553 of the NFAT5 protein (p.Gly553Glu). This variant is not present in population databases (gnomAD no frequency). This variant has not been reported in the literature in individuals affected with NFAT5-related conditions. An algorithm developed to predict the effect of missense changes on protein structure and function (PolyPhen-2) suggests that this variant is likely to be disruptive. In summary, the available evidence is currently insufficient to determine the role of this variant in disease. Therefore, it has been classified as a Variant of Uncertain Significance.

NM_138713.4(NFAT5):c.1940G>A (p.Gly647Glu)

Gene: NFAT5 (nuclear factor of activated T cells 5; plus strand). Cytogenetic location: 16q22.1.
Variant type: single nucleotide variant.
Coding change: c.1940G>A on transcript NM_138713.4 (MANE Select); coding-DNA position 1940, G replaced by A.
Protein change: p.Gly647Glu; replaces glycine 647 with glutamic acid.
Molecular consequence: missense variant.
Genome position (GRCh38, 1-based): chr16:69,691,765, G>A. VCF-style: chr16-69691765-G-A. GRCh37 (hg19) VCF-style: chr16-69725668-G-A.
Other names: c.1937G>A, p.Gly646Glu (NM_001113178.3); c.1265G>A, p.Gly422Glu (NM_001367709.1); c.1886G>A, p.Gly629Glu (NM_006599.4); c.1658G>A, p.Gly553Glu (NM_138714.4, NM_173214.3, NM_173215.3); short protein forms G646E, G422E, G647E, G553E, G629E.
Identifiers: ClinVar variation 2700942 (VCV002700942.3), dbSNP rs2544227225, ClinGen allele CA396506869.